The following is an entry in ClinVar:

ClinVar aggregate classification (germline): Uncertain significance. Review status: criteria provided, multiple submitters, no conflicts (2 of 4 stars). 2 submissions from 2 submitters: Uncertain significance (2). Last evaluated 2024-11-27.

Conditions:
Cardiovascular phenotype. Identifiers: MedGen CN230736.
Hypertrophic cardiomyopathy. Also called: HYPERTROPHIC MYOCARDIOPATHY. Identifiers: Orphanet 217569, MedGen C0007194, MeSH D002312, MONDO:0005045, HP:0001639.

gnomAD v4.1: 2 of 1,611,032 alleles (0.00012%); highest among the groups gnomAD compares: East Asian, 0.0045%; no homozygotes.

Submissions (2):

Ambry Genetics
Classification: Uncertain significance for Cardiovascular phenotype. Last evaluated: 2024-11-27. Review status: criteria provided, single submitter. Criteria: Ambry Variant Classification Scheme 2023. Collection method: clinical testing. Allele origin: germline.
Comment: The p.E66D variant (also known as c.198G>T), located in coding exon 5 of the TNNI3 gene, results from a G to T substitution at nucleotide position 198. The glutamic acid at codon 66 is replaced by aspartic acid, an amino acid with highly similar properties. This variant has been reported in a hypertrophic cardiomyopathy (HCM) cohorts (Mouton JM et al. Cardiovasc J Afr, 2015;26:63-9; Alfares AA et al. Genet Med, 2015 Nov;17:880-8). This amino acid position is well conserved in available vertebrate species. In addition, this alteration is predicted to be tolerated by in silico analysis. Based on the available evidence, the clinical significance of this variant remains unclear.

Labcorp Genetics (formerly Invitae), Labcorp
Classification: Uncertain significance for Hypertrophic cardiomyopathy. Last evaluated: 2024-09-02. Review status: criteria provided, single submitter. Criteria: Invitae Variant Classification Sherloc (09022015). Collection method: clinical testing. Allele origin: germline.
Comment: This sequence change replaces glutamic acid, which is acidic and polar, with aspartic acid, which is acidic and polar, at codon 66 of the TNNI3 protein (p.Glu66Asp). This variant is not present in population databases (gnomAD no frequency). This variant has not been reported in the literature in individuals affected with TNNI3-related conditions. An algorithm developed to predict the effect of missense changes on protein structure and function outputs the following: PolyPhen-2: "Benign". The aspartic acid amino acid residue is found in multiple mammalian species, which suggests that this missense change does not adversely affect protein function. In summary, the available evidence is currently insufficient to determine the role of this variant in disease. Therefore, it has been classified as a Variant of Uncertain Significance.

Literature cited by the submitters: PubMed 25611685 (cited by Ambry Genetics); PubMed 25940119 (cited by Ambry Genetics).

NM_000363.5(TNNI3):c.198G>T (p.Glu66Asp)

Gene: TNNI3 (troponin I3, cardiac type; minus strand). Cytogenetic location: 19q13.42.
Variant type: single nucleotide variant.
Coding change: c.198G>T on transcript NM_000363.5 (MANE Select); coding-DNA position 198, G replaced by T.
Protein change: p.Glu66Asp; replaces glutamic acid 66 with aspartic acid.
Molecular consequence: missense variant.
Genome position (GRCh38, 1-based): chr19:55,156,285, C>A on the plus strand (G>T on the coding strand, the complement: TNNI3 is on the minus strand). VCF-style: chr19-55156285-C-A. GRCh37 (hg19) VCF-style: chr19-55667653-C-A.
Other names: short protein forms E66D.
Identifiers: ClinVar variation 3459415 (VCV003459415.3).